The following is an entry in ClinVar:

NM_000059.4(BRCA2):c.6896A>G (p.Asn2299Ser)

Gene: BRCA2 (BRCA2 DNA repair associated; plus strand). Cytogenetic location: 13q13.1.
Variant type: single nucleotide variant.
Coding change: c.6896A>G on transcript NM_000059.4 (MANE Select); coding-DNA position 6896, A replaced by G.
Protein change: p.Asn2299Ser; replaces asparagine 2299 with serine.
Molecular consequence: missense variant.
Genome position (GRCh38, 1-based): chr13:32,344,612, A>G. VCF-style: chr13-32344612-A-G. GRCh37 (hg19) VCF-style: chr13-32918749-A-G.
Other names: c.6896A>G, p.Asn2299Ser (NM_001406720.1); c.1964A>G, p.Asn655Ser (NM_001406721.1); c.479A>G, p.Asn160Ser (NM_001406722.1); short protein forms N160S, N655S, N2299S.
Identifiers: ClinVar variation 2007390 (VCV002007390.4), dbSNP rs2548536025, ClinGen allele CA387792822.

ClinVar aggregate classification (germline): Uncertain significance (1 of 4 stars; one submission).

Conditions:
Hereditary breast ovarian cancer syndrome. Also called: Hereditary breast and ovarian cancer syndrome (HBOC); Hereditary breast and ovarian cancer syndrome; Hereditary breast and ovarian cancer; Breast and ovarian cancer; BRCA1- and BRCA2-Associated Hereditary Breast and Ovarian Cancer; Hereditary breast and/or ovarian cancer syndrome. Identifiers: Orphanet 145, MedGen C0677776, MeSH D061325, MONDO:0003582. Disease mechanism: loss of function.

Submission:

Labcorp Genetics (formerly Invitae), Labcorp
Classification: Uncertain significance for Hereditary breast ovarian cancer syndrome. Last evaluated: 2022-06-16. Review status: criteria provided, single submitter. Criteria: Invitae Variant Classification Sherloc (09022015). Collection method: clinical testing. Allele origin: germline.
Comment: This sequence change replaces asparagine, which is neutral and polar, with serine, which is neutral and polar, at codon 2299 of the BRCA2 protein (p.Asn2299Ser). This variant is not present in population databases (gnomAD no frequency). This variant has not been reported in the literature in individuals affected with BRCA2-related conditions. Advanced modeling of protein sequence and biophysical properties (such as structural, functional, and spatial information, amino acid conservation, physicochemical variation, residue mobility, and thermodynamic stability) performed at Invitae indicates that this missense variant is not expected to disrupt BRCA2 protein function. In summary, the available evidence is currently insufficient to determine the role of this variant in disease. Therefore, it has been classified as a Variant of Uncertain Significance.